The following is an entry in ClinVar:

ClinVar aggregate classification (germline): Uncertain significance. Review status: criteria provided, multiple submitters, no conflicts (2 of 4 stars). 2 submissions from 2 submitters: Uncertain significance (2). Last evaluated 2026-07-06.

Conditions:
Renal cell carcinoma. Identifiers: Orphanet 217071, MedGen C0007134, MeSH D002292, MONDO:0005086, HP:0005584.
Hereditary cancer-predisposing syndrome. Also called: Hereditary Cancer Syndrome; Tumor predisposition; Neoplastic Syndromes, Hereditary; Hereditary neoplastic syndrome. Identifiers: Orphanet 140162, MedGen C0027672, MeSH D009386, MONDO:0015356.

Submissions (2):

Ambry Genetics
Classification: Uncertain significance for Hereditary cancer-predisposing syndrome. Last evaluated: 2026-07-06. Review status: criteria provided, single submitter. Criteria: Ambry Variant Classification Scheme 2023. Collection method: clinical testing. Allele origin: germline.
Comment: The p.V188I variant (also known as c.562G>A), located in coding exon 1 of the MET gene, results from a G to A substitution at nucleotide position 562. The valine at codon 188 is replaced by isoleucine, an amino acid with highly similar properties. This amino acid position is conserved. In addition, this alteration is predicted to be tolerated by in silico analysis. Based on the available evidence, the clinical significance of this variant remains unclear.

Labcorp Genetics (formerly Invitae), Labcorp
Classification: Uncertain significance for Renal cell carcinoma. Last evaluated: 2021-10-02. Review status: criteria provided, single submitter. Criteria: Invitae Variant Classification Sherloc (09022015). Collection method: clinical testing. Allele origin: germline.
Comment: Algorithms developed to predict the effect of missense changes on protein structure and function (SIFT, PolyPhen-2, Align-GVGD) all suggest that this variant is likely to be tolerated. This variant has not been reported in the literature in individuals affected with MET-related conditions. This variant is not present in population databases (ExAC no frequency). This sequence change replaces valine with isoleucine at codon 188 of the MET protein (p.Val188Ile). The valine residue is weakly conserved and there is a small physicochemical difference between valine and isoleucine. In summary, the available evidence is currently insufficient to determine the role of this variant in disease. Therefore, it has been classified as a Variant of Uncertain Significance.

NM_000245.4(MET):c.562G>A (p.Val188Ile)

Gene: MET (MET proto-oncogene, receptor tyrosine kinase; plus strand). Cytogenetic location: 7q31.2.
Variant type: single nucleotide variant.
Coding change: c.562G>A on transcript NM_000245.4 (MANE Select); coding-DNA position 562, G replaced by A.
Protein change: p.Val188Ile; replaces valine 188 with isoleucine.
Molecular consequence: missense variant. On other transcripts: intron variant (1).
Genome position (GRCh38, 1-based): chr7:116,699,646, G>A. VCF-style: chr7-116699646-G-A. GRCh37 (hg19) VCF-style: chr7-116339700-G-A.
Other names: c.562G>A, p.Val188Ile (NM_001127500.3, NM_001324401.3); c.-91+27069G>A (NM_001324402.2); c.562G>A (NM_000245.2); short protein forms V188I.
Identifiers: ClinVar variation 1467610 (VCV001467610.7), dbSNP rs2116591991, ClinGen allele CA368969348.